The following is an entry in ClinVar:

ClinVar aggregate classification (germline): Uncertain significance (1 of 4 stars; one submission).

gnomAD v4.1: 1 of 1,614,186 alleles (0.000062%); highest among the groups gnomAD compares: Non-Finnish European, 0.000085%; no homozygotes.

Submission:

Labcorp Genetics (formerly Invitae), Labcorp
Classification: Uncertain significance. Last evaluated: 2025-12-08. Review status: criteria provided, single submitter. Criteria: Invitae Variant Classification Sherloc (09022015). Collection method: clinical testing. Allele origin: germline.
Comment: This sequence change replaces glycine, which is neutral and non-polar, with arginine, which is basic and polar, at codon 1055 of the LRP5 protein (p.Gly1055Arg). This variant is not present in population databases (gnomAD no frequency). This missense change has been observed in individual(s) with chronic non-bacterial osteomyelitis (PMID: 35422809). Invitae Evidence Modeling of protein sequence and biophysical properties (such as structural, functional, and spatial information, amino acid conservation, physicochemical variation, residue mobility, and thermodynamic stability) has been performed for this missense variant. However, the output from this modeling did not meet the statistical confidence thresholds required to predict the impact of this variant on LRP5 protein function. In summary, the available evidence is currently insufficient to determine the role of this variant in disease. Therefore, it has been classified as a Variant of Uncertain Significance.

Literature cited by the submitters: PubMed 35422809.

NM_002335.4(LRP5):c.3163G>C (p.Gly1055Arg)

Gene: LRP5 (LDL receptor related protein 5; plus strand). Cytogenetic location: 11q13.2.
Variant type: single nucleotide variant.
Coding change: c.3163G>C on transcript NM_002335.4 (MANE Select); coding-DNA position 3163, G replaced by C.
Protein change: p.Gly1055Arg; replaces glycine 1055 with arginine.
Molecular consequence: missense variant.
Genome position (GRCh38, 1-based): chr11:68,423,624, G>C. VCF-style: chr11-68423624-G-C. GRCh37 (hg19) VCF-style: chr11-68191092-G-C.
Other names: c.1420G>C, p.Gly474Arg (NM_001291902.2); short protein forms G474R, G1055R.
Identifiers: ClinVar variation 4694422 (VCV004694422.1).
Genomic context (GRCh38, chr11:68,423,624, plus strand): 5'-AGCCGGACACTGTTCTGGACGTGCGAGGCCACCAATACCATCAACGTCCACAGGCTGAGC[G>C]GGGAAGCCATGGGGGTGGTGCTGCGTGGGGACCGCGACAAGCCCAGGGCCATCGTCGTCA-3'
Protein context (NP_002326.2, residues 1045-1065): TNTINVHRLS[Gly1055Arg]EAMGVVLRGD